The following is an entry in ClinVar:

ClinVar aggregate classification (germline): Conflicting classifications of pathogenicity. Review status: criteria provided, conflicting classifications (1 of 4 stars). 5 submissions from 5 submitters: Uncertain significance (2); Likely benign (2). 1 of the submissions does not count toward it. Last evaluated 2026-06-18.

Conditions:
CUL7-related disorder. Also called: CUL7-related condition.
Inborn genetic diseases. Identifiers: MedGen C0950123, MeSH D030342.

Allele frequency attached by ClinVar (database versions not stated): ExAC 0.00030; ESP Exome Variant Server 0.00100; 1000 Genomes Project 0.00120; 1000 Genomes Project 30x 0.00141; gnomAD exomes 0.00010 and 0.00027; TOPMed 0.00099; gnomAD 0.00114 and 0.00108.
gnomAD v4.1: 312 of 1,614,212 alleles (0.019%); highest among the groups gnomAD compares: African/African-American, 0.35%; no homozygotes.

Submissions (5):

Women's Health and Genetics/Laboratory Corporation of America, LabCorp
Classification: Likely benign. Last evaluated: 2026-06-18. Review status: criteria provided, single submitter. Criteria: LabCorp Variant Classification Summary - May 2015. Collection method: clinical testing. Allele origin: germline.
Comment: Variant summary: CUL7 c.1067G>A (p.Arg356His) results in a non-conservative amino acid change in the encoded protein sequence. Algorithms developed to predict the effect of missense changes on protein structure and function are either unavailable or do not agree on the potential impact of this missense change. The variant allele was found at a frequency of 0.00027 in 251392 control chromosomes, predominantly at a frequency of 0.0033 within the African or African-American subpopulation in the gnomAD database. The observed variant frequency within African or African-American control individuals in the gnomAD database exceeds the estimated maximal expected allele frequency for disease-causing variants in CUL7. To our knowledge, no occurrence of c.1067G>A in individuals affected with CUL7-related conditions and no experimental evidence demonstrating its impact on protein function have been reported. ClinVar contains an entry for this variant (Variation ID: 502465). Based on the evidence outlined above, the variant was classified as likely benign.

Labcorp Genetics (formerly Invitae), Labcorp
Classification: Likely benign. Last evaluated: 2026-01-13. Review status: criteria provided, single submitter. Criteria: Invitae Variant Classification Sherloc (09022015). Collection method: clinical testing. Allele origin: germline.

Ambry Genetics
Classification: Uncertain significance for Inborn genetic diseases. Last evaluated: 2025-02-07. Review status: criteria provided, single submitter. Criteria: Ambry Variant Classification Scheme 2023. Collection method: clinical testing. Allele origin: germline.

Eurofins Ntd Llc (ga)
Classification: Uncertain significance. Last evaluated: 2017-06-19. Review status: criteria provided, single submitter. Criteria: EGL Classification Definitions 2015. Collection method: clinical testing. Allele origin: germline. Observed: 1 variant allele, 1 heterozygote.

PreventionGenetics, part of Exact Sciences
Classification: Likely benign for CUL7-related condition. Last evaluated: 2022-02-13. Review status: no assertion criteria provided. Collection method: clinical testing. Allele origin: germline. Not counted in ClinVar's aggregate classification.
Comment: This variant is classified as likely benign based on ACMG/AMP sequence variant interpretation guidelines (Richards et al. 2015 PMID: 25741868, with internal and published modifications).

NM_014780.5(CUL7):c.1067G>A (p.Arg356His)

Gene: CUL7 (cullin 7; minus strand). Cytogenetic location: 6p21.1.
Variant type: single nucleotide variant.
Coding change: c.1067G>A on transcript NM_014780.5 (MANE Select); coding-DNA position 1067, G replaced by A.
Protein change: p.Arg356His; replaces arginine 356 with histidine.
Molecular consequence: missense variant.
Genome position (GRCh38, 1-based): chr6:43,051,134, C>T on the plus strand (G>A on the coding strand, the complement: CUL7 is on the minus strand). VCF-style: chr6-43051134-C-T. GRCh37 (hg19) VCF-style: chr6-43018872-C-T.
Other names: c.1163G>A, p.Arg388His (NM_001168370.2, NM_001374872.1); c.1067G>A, p.Arg356His (NM_001374873.1, NM_001374874.1); short protein forms R356H, R388H.
Identifiers: ClinVar variation 502465 (VCV000502465.20), dbSNP rs146227929, ClinGen allele CA3814247.